The following is an entry in ClinVar:

ClinVar aggregate classification (germline): Likely benign (1 of 4 stars; one submission).

Submission:

GeneDx
Classification: Likely benign. Last evaluated: 2019-10-06. Review status: criteria provided, single submitter. Criteria: GeneDx Variant Classification Process June 2021. Collection method: clinical testing. Allele origin: germline. Affected: yes.
Comment: See Variant Classification Assertion Criteria.

NM_182914.3(SYNE2):c.19658-104_19658-102del

Gene: SYNE2 (spectrin repeat containing nuclear envelope protein 2; plus strand). Cytogenetic location: 14q23.2.
Variant type: Deletion.
Coding change: c.19658-104_19658-102del on transcript NM_182914.3 (MANE Select); 104 bases into the intron before coding-DNA position 19658 through 102 bases into the intron before coding-DNA position 19658, 3 bases deleted (GTT; older notation c.19658-104_19658-102delGTT).
Molecular consequence: intron variant.
Genome position (GRCh38, 1-based): chr14:64,219,104-64,219,106, GTT deleted; deleting any 3 consecutive bases within chr14:64,219,102-64,219,106 gives the same sequence; the c. name uses the placement nearest the transcript's 3' end. VCF-style (leftmost placement, unchanged base first): chr14-64219101-TTTG-T. GRCh37 (hg19) VCF-style: chr14-64685819-TTTG-T.
Other names: c.19589-104_19589-102del (NM_015180.6); c.560-104_560-102del (NM_182913.4); c.182-104_182-102del (NM_182910.2).
Identifiers: ClinVar variation 1699663 (VCV001699663.2), dbSNP rs370289757, ClinGen allele CA261831054.